The following is an entry in ClinVar:

NM_001303052.2(MYT1L):c.3241C>G (p.Gln1081Glu)

Gene: MYT1L (myelin transcription factor 1 like; minus strand). Cytogenetic location: 2p25.3.
Variant type: single nucleotide variant.
Coding change: c.3241C>G on transcript NM_001303052.2 (MANE Select); coding-DNA position 3241, C replaced by G.
Protein change: p.Gln1081Glu; replaces glutamine 1081 with glutamic acid.
Molecular consequence: missense variant.
Genome position (GRCh38, 1-based): chr2:1,801,731, G>C on the plus strand (C>G on the coding strand, the complement: MYT1L is on the minus strand). VCF-style: chr2-1801731-G-C. GRCh37 (hg19) VCF-style: chr2-1805503-G-C.
Other names: c.3241C>G, p.Gln1081Glu (NM_001329844.2, NM_001329845.1, NM_001329851.3); c.3235C>G, p.Gln1079Glu (NM_001329846.3, NM_001329847.2, NM_001329848.1 and 3 more transcripts); short protein forms Q1079E, Q1081E.
Identifiers: ClinVar variation 4688066 (VCV004688066.1).

ClinVar aggregate classification (germline): Likely benign (1 of 4 stars; one submission).

Conditions:
Intellectual developmental disorder, autosomal dominant 39. Also called: Mental retardation, autosomal dominant 39; Intellectual disability, autosomal dominant 39. Identifiers: MedGen C4225296, MONDO:0014678, OMIM 616521.

Submission:

Centre for Medical Genetics,  Mumbai
Classification: Likely benign for Intellectual developmental disorder, autosomal dominant 39. Last evaluated: 2026-01-30. Review status: criteria provided, single submitter. Criteria: ACMG Guidelines, 2015. Collection method: provider interpretation. Allele origin: germline. Inheritance: Autosomal dominant inheritance. Affected: no. Observed: 1 heterozygote.
Comment: The variant satisfies PM2 criteria; Extremely low frequency in gnomAD population databases. The variant satisfies PP2 criteria; Missense variant in a gene with low rate of benign missense mutations and for which missense mutation is a common mechanism of a disease. However, the variant satisfies BS2 criteria.

Literature cited by the submitters: PubMed 23033978.